The following is an entry in ClinVar:

ClinVar aggregate classification (germline): Pathogenic. Review status: criteria provided, multiple submitters, no conflicts (2 of 4 stars). 6 submissions from 6 submitters: Pathogenic (6). Last evaluated 2024-10-01.

Conditions:
Cerebellar ataxia, impaired intellectual development, and dysequilibrium syndrome 2. Also called: CEREBELLAR ATAXIA, MENTAL RETARDATION, AND DYSEQUILIBRIUM SYNDROME 2; CEREBELLAR ATAXIA AND MENTAL RETARDATION WITH OR WITHOUT QUADRUPEDAL LOCOMOTION 2; Cerebellar ataxia, intellectual disability, and dysequilibrium syndrome 2. Identifiers: Orphanet 1766, MedGen C2750234, MONDO:0012430, OMIM 610185.
Inborn genetic diseases. Identifiers: MedGen C0950123, MeSH D030342.

Allele frequency attached by ClinVar (database versions not stated): gnomAD 0.00001; ExAC 0.00001; TOPMed 0.00002.
gnomAD v4.1: 13 of 1,597,240 alleles (0.00081%); highest among the groups gnomAD compares: South Asian, 0.0033%; no homozygotes.

Submissions (6):

GeneDx
Classification: Pathogenic. Last evaluated: 2024-10-01. Review status: criteria provided, single submitter. Criteria: GeneDx Variant Classification Process June 2021. Collection method: clinical testing. Allele origin: germline. Affected: yes.
Comment: Not observed at significant frequency in large population cohorts (gnomAD); Nonsense variant predicted to result in protein truncation or nonsense mediated decay in a gene for which loss of function is a known mechanism of disease; This variant is associated with the following publications: (PMID: 34582790, 28940097, 28097321)

Genomic Medicine Center of Excellence, King Faisal Specialist Hospital and Research Centre
Classification: Pathogenic for Cerebellar ataxia, impaired intellectual development, and dysequilibrium syndrome 2. Last evaluated: 2024-03-17. Review status: criteria provided, single submitter. Criteria: ACMG Guidelines, 2015. Collection method: research. Allele origin: germline.

Ambry Genetics
Classification: Pathogenic for Inborn genetic diseases. Last evaluated: 2021-05-10. Review status: criteria provided, single submitter. Criteria: Ambry Variant Classification Scheme 2023. Collection method: clinical testing. Allele origin: germline.
Comment: The c.5335C>T (p.R1779*) alteration, located in exon 9 (coding exon 9) of the WDR81 gene, consists of a C to T substitution at nucleotide position 5335. This changes the amino acid from an arginine (R) to a stop codon at amino acid position 1779. This alteration is expected to result in loss of function by premature protein truncation or nonsense-mediated mRNA decay. Based on data from the Genome Aggregation Database (gnomAD) database, the WDR81 c.5335C>T alteration was observed in <0.01% (2/237976) of total alleles studied. This alteration was identified in the homozygous state in two affected siblings and one additional unrelated patient with clinical features of WDR81-related neurodevelopmental disorder (Anazi, 2017; Reuter, 2017). Based on the available evidence, this alteration is classified as pathogenic.

Institute of Medical Genetics and Applied Genomics, University Hospital Tübingen
Classification: Pathogenic. Last evaluated: 2020-10-23. Review status: criteria provided, single submitter. Criteria: ACMG Guidelines, 2015. Collection method: clinical testing. Allele origin: germline. Inheritance: Autosomal recessive inheritance. Affected: yes.

Baylor Genetics
Classification: Pathogenic for Cerebellar ataxia, impaired intellectual development, and dysequilibrium syndrome 2. Last evaluated: 2020-05-05. Review status: criteria provided, single submitter. Criteria: ACMG Guidelines, 2015. Collection method: clinical testing. Allele origin: unknown. Affected: yes.
Comment: This variant was determined to be pathogenic according to ACMG Guidelines, 2015 [PMID:25741868].

Institute of Human Genetics, University of Leipzig Medical Center
Classification: Pathogenic for Cerebellar ataxia, impaired intellectual development, and dysequilibrium syndrome 2. Last evaluated: 2020-03-01. Review status: criteria provided, single submitter. Criteria: ACMG Guidelines, 2015. Collection method: clinical testing. Allele origin: biparental. Inheritance: Autosomal recessive inheritance. Affected: yes.
Comment: Review of the variants reported in Reuter et al., 2017, PMID: 28097321: PVS1,PM2,PM3_Supporting

Literature cited by the submitters: PubMed 28097321 (cited by Ambry Genetics); PubMed 28940097 (cited by Ambry Genetics).

NM_001163809.2(WDR81):c.5335C>T (p.Arg1779Ter)

Gene: WDR81 (WD repeat domain 81; plus strand). Cytogenetic location: 17p13.3.
Variant type: single nucleotide variant.
Coding change: c.5335C>T on transcript NM_001163809.2 (MANE Select); coding-DNA position 5335, C replaced by T.
Protein change: p.Arg1779Ter; replaces arginine 1779 with a stop codon.
Molecular consequence: nonsense.
Genome position (GRCh38, 1-based): chr17:1,736,048, C>T. VCF-style: chr17-1736048-C-T. GRCh37 (hg19) VCF-style: chr17-1639342-C-T.
Other names: c.1726C>T, p.Arg576Ter (NM_001163673.2); c.1654C>T, p.Arg552Ter (NM_001163811.2); c.2182C>T, p.Arg728Ter (NM_152348.4); short protein forms R1779*, R552*, R576*, R728*.
Identifiers: ClinVar variation 984714 (VCV000984714.11), dbSNP rs762607878, ClinGen allele CA8273850.